The following is an entry in ClinVar:

NM_006946.4(SPTBN2):c.2250_2252del (p.Tyr750_Gln751delinsTer)

Gene: SPTBN2 (spectrin beta, non-erythrocytic 2; minus strand). Cytogenetic location: 11q13.2.
Variant type: Deletion.
Coding change: c.2250_2252del on transcript NM_006946.4 (MANE Select); coding-DNA positions 2250 to 2252, 3 bases deleted (CCA; older notation c.2250_2252delCCA).
Protein change: p.Tyr750_Gln751delinsTer.
Molecular consequence: nonsense.
Genome position (GRCh38, 1-based): chr11:66,705,024-66,705,026, TGG deleted on the plus strand (CCA on the coding strand, the reverse complement: SPTBN2 is on the minus strand); deleting any 3 consecutive bases within chr11:66,705,024-66,705,027 gives the same sequence; the c. name uses the placement nearest the transcript's 3' end. VCF-style (leftmost placement, unchanged base first): chr11-66705023-CTGG-C. GRCh37 (hg19) VCF-style: chr11-66472494-CTGG-C.
Other names: c.2270_2272delACC, p.Tyr757_Gln1092delinsTer (NM_001411025.1).
Identifiers: ClinVar variation 2258160 (VCV002258160.2), dbSNP rs1188527089, ClinGen allele CA679414164.

ClinVar aggregate classification (germline): Pathogenic (1 of 4 stars; one submission).

Conditions:
Inborn genetic diseases. Identifiers: MedGen C0950123, MeSH D030342.

Submission:

Ambry Genetics
Classification: Pathogenic for Inborn genetic diseases. Last evaluated: 2021-12-09. Review status: criteria provided, single submitter. Criteria: Ambry Variant Classification Scheme 2023. Collection method: clinical testing. Allele origin: germline.
Comment: The c.2250_2252delCCA (p.Y750*) alteration is located in exon 14 (coding exon 13) of the SPTBN2 gene and consists of an in-frame deletion of CCA at nucleotide positions 2250 to 2252. This results in the substitution of the tyrosine residue for a stop codon at amino acid position 750. This alteration is expected to result in loss of function by premature protein truncation or nonsense-mediated mRNA decay. Although biallelic loss of function alterations in SPTBN2 have been associated with autosomal recessive spinocerebellar ataxia, haploinsufficiency for SPTBN2 has not been clearly established as a mechanism of disease for autosomal dominant spinocerebellar ataxia. Based on the available evidence, this alteration is pathogenic for autosomal recessive spinocerebellar ataxia; however, the association of this alteration with autosomal dominant spinocerebellar ataxia is unknown. This variant was not reported in population-based cohorts in the Genome Aggregation Database (gnomAD). Based on the available evidence, this alteration is classified as pathogenic.